The following is an entry in ClinVar:

NM_022124.6(CDH23):c.7886G>A (p.Arg2629His)

Gene: CDH23 (cadherin related 23; plus strand). Cytogenetic location: 10q22.1.
Variant type: single nucleotide variant.
Coding change: c.7886G>A on transcript NM_022124.6 (MANE Select); coding-DNA position 7886, G replaced by A.
Protein change: p.Arg2629His; replaces arginine 2629 with histidine.
Molecular consequence: missense variant.
Genome position (GRCh38, 1-based): chr10:71,805,819, G>A. VCF-style: chr10-71805819-G-A. GRCh37 (hg19) VCF-style: chr10-73565576-G-A.
Other names: c.1166G>A, p.Arg389His (NM_001171933.1, NM_001171934.1); short protein forms R2629H, R389H.
Identifiers: ClinVar variation 1947040 (VCV001947040.2), dbSNP rs763331998, ClinGen allele CA377161890.

ClinVar aggregate classification (germline): Uncertain significance (1 of 4 stars; one submission).

Submission:

Labcorp Genetics (formerly Invitae), Labcorp
Classification: Uncertain significance. Last evaluated: 2022-08-04. Review status: criteria provided, single submitter. Criteria: Invitae Variant Classification Sherloc (09022015). Collection method: clinical testing. Allele origin: germline.
Comment: This sequence change replaces arginine, which is basic and polar, with histidine, which is basic and polar, at codon 2629 of the CDH23 protein (p.Arg2629His). This variant is not present in population databases (gnomAD no frequency). This variant has not been reported in the literature in individuals affected with CDH23-related conditions. Algorithms developed to predict the effect of missense changes on protein structure and function output the following: SIFT: "Deleterious"; PolyPhen-2: "Not Available"; Align-GVGD: "Class C0". The histidine amino acid residue is found in multiple mammalian species, which suggests that this missense change does not adversely affect protein function. In summary, the available evidence is currently insufficient to determine the role of this variant in disease. Therefore, it has been classified as a Variant of Uncertain Significance.